The following is an entry in ClinVar:

NM_015922.3(NSDHL):c.560A>G (p.Asn187Ser)

Gene: NSDHL (NAD(P) dependent 3-beta-hydroxysteroid dehydrogenase NSDHL; plus strand). Cytogenetic location: Xq28.
Variant type: single nucleotide variant.
Coding change: c.560A>G on transcript NM_015922.3 (MANE Select); coding-DNA position 560, A replaced by G.
Protein change: p.Asn187Ser; replaces asparagine 187 with serine.
Molecular consequence: missense variant.
Genome position (GRCh38, 1-based): chrX:152,865,835, A>G. VCF-style: chrX-152865835-A-G. GRCh37 (hg19) VCF-style: chrX-152034379-A-G.
Other names: c.560A>G (NM_015922.2); c.560A>G, p.Asn187Ser (NM_001129765.2); short protein forms N187S.
Identifiers: ClinVar variation 1361740 (VCV001361740.8), dbSNP rs782332983, ClinGen allele CA10544792.

ClinVar aggregate classification (germline): Uncertain significance. Review status: criteria provided, multiple submitters, no conflicts (2 of 4 stars). 3 submissions from 3 submitters: Uncertain significance (3). Last evaluated 2026-05-14.

Conditions:
Child syndrome. Also called: CHILD (Congenital Hemidysplasia with Ichthyosiform Nevus and Limb Defects) Syndrome. Identifiers: Orphanet 139, MedGen C0265267, MONDO:0010621, OMIM 308050.
CK syndrome. Also called: MENTAL RETARDATION, X-LINKED, WITH THIN BODY HABITUS AND CORTICAL MALFORMATION. Identifiers: Orphanet 251383, MedGen C3151781, MONDO:0010441, OMIM 300831.
Inborn genetic diseases. Identifiers: MedGen C0950123, MeSH D030342.

Allele frequency attached by ClinVar (database versions not stated): gnomAD exomes 0.00002; TOPMed 0.00002; ExAC 0.00001.
gnomAD v4.1: 18 of 1,212,432 alleles (0.0015%); highest among the groups gnomAD compares: Middle Eastern, 0.046%; no homozygotes.

Submissions (3):

Ambry Genetics
Classification: Uncertain significance for Inborn genetic diseases. Last evaluated: 2026-05-14. Review status: criteria provided, single submitter. Criteria: Ambry Variant Classification Scheme 2023. Collection method: clinical testing. Allele origin: germline.
Comment: The c.560A>G (p.N187S) alteration is located in exon 6 (coding exon 5) of the NSDHL gene. This alteration results from a A to G substitution at nucleotide position 560, causing the asparagine (N) at amino acid position 187 to be replaced by a serine (S). Based on data from gnomAD, the G allele has an overall frequency of 0.002% (3/183393) total alleles studied. The highest observed frequency was 0.004% (3/81881) of European (non-Finnish) alleles. Based on insufficient or conflicting evidence, the clinical significance of this alteration remains unclear.

Labcorp Genetics (formerly Invitae), Labcorp
Classification: Uncertain significance. Last evaluated: 2026-01-24. Review status: criteria provided, single submitter. Criteria: Invitae Variant Classification Sherloc (09022015). Collection method: clinical testing. Allele origin: germline.
Comment: This sequence change replaces asparagine, which is neutral and polar, with serine, which is neutral and polar, at codon 187 of the NSDHL protein (p.Asn187Ser). This variant is present in population databases (rs782332983, gnomAD 0.004%). This variant has not been reported in the literature in individuals affected with NSDHL-related conditions. ClinVar contains an entry for this variant (Variation ID: 1361740). An algorithm developed to predict the effect of missense changes on protein structure and function outputs the following: PolyPhen-2: "Benign". The serine amino acid residue is found in multiple mammalian species, which suggests that this missense change does not adversely affect protein function. In summary, the available evidence is currently insufficient to determine the role of this variant in disease. Therefore, it has been classified as a Variant of Uncertain Significance.

Fulgent Genetics
Classification: Uncertain significance for CK syndrome; Child syndrome. Last evaluated: 2021-10-10. Review status: criteria provided, single submitter. Criteria: ACMG Guidelines, 2015. Collection method: clinical testing. Allele origin: unknown.